The following is an entry in ClinVar:

NM_006060.6(IKZF1):c.515C>A (p.Pro172His)

Gene: IKZF1 (IKAROS family zinc finger 1; plus strand). Cytogenetic location: 7p12.2.
Variant type: single nucleotide variant.
Coding change: c.515C>A on transcript NM_006060.6 (MANE Select); coding-DNA position 515, C replaced by A.
Protein change: p.Pro172His; replaces proline 172 with histidine.
Molecular consequence: missense variant. On other transcripts: intron variant (6).
Genome position (GRCh38, 1-based): chr7:50,382,633, C>A. VCF-style: chr7-50382633-C-A. GRCh37 (hg19) VCF-style: chr7-50450331-C-A.
Other names: c.515C>A, p.Pro172His (NM_001220765.3, NM_001220768.2, NM_001291837.2); c.254C>A, p.Pro85His (NM_001220767.2, NM_001220770.2, NM_001291838.2 and 1 more transcripts); c.575C>A, p.Pro192His (NM_001410879.1); c.421+5840C>A (NM_001220771.2); c.161-4712C>A (NM_001291841.1, NM_001291842.1); c.161-9096C>A (NM_001291843.1, NM_001291844.1); c.161-17285C>A (NM_001291840.1); short protein forms P172H, P192H, P85H.
Identifiers: ClinVar variation 2770781 (VCV002770781.3), dbSNP rs2153477767, ClinGen allele CA367531076.
Genomic context (GRCh38, chr7:50,382,633, plus strand): 5'-CCTCATTCACCCAGAAGGGCAACCTGCTCCGGCACATCAAGCTGCATTCCGGGGAGAAGC[C>A]CTTCAAATGCCACCTCTGCAACTACGCCTGCCGCCGGAGGGACGCCCTCACTGGCCACCT-3'
Protein context (NP_006051.1, residues 162-182): RHIKLHSGEK[Pro172His]FKCHLCNYAC

ClinVar aggregate classification (germline): Uncertain significance (1 of 4 stars; one submission).

Submission:

Labcorp Genetics (formerly Invitae), Labcorp
Classification: Uncertain significance. Last evaluated: 2023-10-22. Review status: criteria provided, single submitter. Criteria: Invitae Variant Classification Sherloc (09022015). Collection method: clinical testing. Allele origin: germline.
Comment: This sequence change replaces proline, which is neutral and non-polar, with histidine, which is basic and polar, at codon 172 of the IKZF1 protein (p.Pro172His). This variant is not present in population databases (gnomAD no frequency). This variant has not been reported in the literature in individuals affected with IKZF1-related conditions. An algorithm developed to predict the effect of missense changes on protein structure and function (PolyPhen-2) suggests that this variant is likely to be disruptive. In summary, the available evidence is currently insufficient to determine the role of this variant in disease. Therefore, it has been classified as a Variant of Uncertain Significance.